The following is an entry in ClinVar:

ClinVar aggregate classification (germline): Uncertain significance (1 of 4 stars; one submission).

Conditions:
Microcephaly, seizures, and developmental delay. Identifiers: Orphanet 1934, MedGen C3150667, MONDO:0013254, OMIM 613402.

gnomAD v4.1: 4 of 1,613,682 alleles (0.00025%); highest among the groups gnomAD compares: East Asian, 0.0089%; no homozygotes.

Submission:

3billion
Classification: Uncertain significance for Microcephaly, seizures, and developmental delay. Last evaluated: 2023-11-24. Review status: criteria provided, single submitter. Criteria: ACMG Guidelines, 2015. Collection method: clinical testing. Allele origin: germline. Affected: yes.
Comment: The variant is observed at an extremely low frequency in the gnomAD v2.1.1 dataset (total allele frequency: 0.001%). Predicted Consequence/Location: missense variant In silico tool predictions suggest damaging effect of the variant on gene or gene product [REVEL: 0.93 (>=0.6, sensitivity 0.68 and specificity 0.92); 3Cnet: 0.75 (>=0.6, sensitivity 0.72 and precision 0.9)]. Same nucleotide change resulting in same amino acid change has been previously reported to be associated with PNKP related disorder (PMID: 24965255). However, the evidence of pathogenicity is insufficient at this time. Therefore, this variant is classified as VUS according to the recommendation of ACMG/AMP guideline.

Literature cited by the submitters: PubMed 24965255.

NM_007254.4(PNKP):c.874G>A (p.Gly292Arg)

Gene: PNKP (polynucleotide kinase 3'-phosphatase; minus strand). Cytogenetic location: 19q13.33.
Variant type: single nucleotide variant.
Coding change: c.874G>A on transcript NM_007254.4 (MANE Select); coding-DNA position 874, G replaced by A.
Protein change: p.Gly292Arg; replaces glycine 292 with arginine.
Molecular consequence: missense variant.
Genome position (GRCh38, 1-based): chr19:49,862,600, C>T on the plus strand (G>A on the coding strand, the complement: PNKP is on the minus strand). VCF-style: chr19-49862600-C-T. GRCh37 (hg19) VCF-style: chr19-50365857-C-T.
Other names: short protein forms G292R.
Identifiers: ClinVar variation 3775524 (VCV003775524.1).